The following is an entry in ClinVar:

ClinVar aggregate classification (germline): Likely pathogenic (1 of 4 stars; one submission).

Conditions:
Waardenburg syndrome type 4A (WS4A). Also called: WAARDENBURG SYNDROME WITH HIRSCHSPRUNG DISEASE, TYPE 4A. Identifiers: Orphanet 897, MedGen C1848519, MONDO:0010192, OMIM 277580.

Submission:

King Laboratory, University of Washington
Classification: Likely pathogenic for Waardenburg syndrome type 4A. Last evaluated: 2020-08-01. Review status: criteria provided, single submitter. Criteria: Abu Rayyan A et al. (Proc Natl Acad Sci U S A 2020). Collection method: research. Allele origin: germline. Affected: yes.
Comment: Analysis of patient-derived RNA indicates that EDNRB c.1071+2T>C leads to skipping of exon 4 (205bp) in message and a stop at codon 317 (Abu Rayyan 2020). The variant is heterozygous in three individuals in one Palestinian family. Variable penetrance of WS with mutations in EDNRB has been previously noted (OMIM 277580). The variant is absent from 1300 Palestinian controls and from gnomAD v2.1.1.

NM_001122659.3(EDNRB):c.801+2T>C

Genes: EDNRB (endothelin receptor type B; minus strand), EDNRB-AS1 (EDNRB antisense RNA 1; plus strand). Cytogenetic location: 13q22.3.
Variant type: single nucleotide variant.
Coding change: c.801+2T>C on transcript NM_001122659.3 (MANE Select); the canonical splice donor site of the intron after coding-DNA position 801, T replaced by C.
Molecular consequence: splice donor variant.
Genome position (GRCh38, 1-based): chr13:77,903,154, A>G on the plus strand (T>C on the coding strand, the complement: EDNRB is on the minus strand). VCF-style: chr13-77903154-A-G. GRCh37 (hg19) VCF-style: chr13-78477289-A-G.
Other names: NM_001201397.1:c.1071+2T>C; c.801+2T>C (NM_000115.5, NM_003991.4); c.1071+2T>C (NM_001201397.2).
Identifiers: ClinVar variation 1334125 (VCV001334125.2), dbSNP rs2137610838, ClinGen allele CA388450521.